The following is an entry in ClinVar:

NM_003467.3(CXCR4):c.988_989del (p.Ser330fs)

Gene: CXCR4 (C-X-C motif chemokine receptor 4; minus strand). Cytogenetic location: 2q22.1.
Variant type: Microsatellite.
Coding change: c.988_989del on transcript NM_003467.3 (MANE Select); coding-DNA positions 988 to 989, 2 bases deleted (TC; older notation c.988_989delTC).
Protein change: p.Ser330fs; shifts the reading frame from serine 330.
Molecular consequence: frameshift variant.
Genome position (GRCh38, 1-based): chr2:136,114,939-136,114,940, GA deleted on the plus strand (TC on the coding strand, the reverse complement: CXCR4 is on the minus strand); deleting any 2 consecutive bases within chr2:136,114,939-136,114,943 gives the same sequence; the c. name uses the placement nearest the transcript's 3' end. VCF-style (leftmost placement, unchanged base first): chr2-136114938-GGA-G. GRCh37 (hg19) VCF-style: chr2-136872508-GGA-G.
Other names: c.1000_1001del, p.Ser334fs (NM_001008540.2); c.1201_1202del, p.Ser401fs (NM_001348056.2); c.1087_1088del, p.Ser363fs (NM_001348059.2); c.943_944del, p.Ser315fs (NM_001348060.2); short protein forms S315fs, S330fs, S334fs, S363fs, S401fs.
Identifiers: ClinVar variation 1163801 (VCV001163801.5), dbSNP rs2104915614, ClinGen allele CA2580611692.

ClinVar aggregate classification (germline): Pathogenic (1 of 4 stars; one submission).

Submission:

Mayo Clinic Laboratories, Mayo Clinic
Classification: Pathogenic. Last evaluated: 2019-05-21. Review status: criteria provided, single submitter. Criteria: ACMG Guidelines, 2015. Collection method: clinical testing. Allele origin: germline. Observed: 1 variant allele.
Comment: PVS1, PM1, PM2

Literature cited by the submitters: PubMed 28643496.